The following is an entry in ClinVar:

NM_003265.3(TLR3):c.1115G>A (p.Ser372Asn)

Gene: TLR3 (toll like receptor 3; plus strand). Cytogenetic location: 4q35.1.
Variant type: single nucleotide variant.
Coding change: c.1115G>A on transcript NM_003265.3 (MANE Select); coding-DNA position 1115, G replaced by A.
Protein change: p.Ser372Asn; replaces serine 372 with asparagine.
Molecular consequence: missense variant.
Genome position (GRCh38, 1-based): chr4:186,082,801, G>A. VCF-style: chr4-186082801-G-A. GRCh37 (hg19) VCF-style: chr4-187003955-G-A.
Other names: short protein forms S372N.
Identifiers: ClinVar variation 3690882 (VCV003690882.3).

ClinVar aggregate classification (germline): Uncertain significance. Review status: criteria provided, multiple submitters, no conflicts (2 of 4 stars). 2 submissions from 2 submitters: Uncertain significance (2). Last evaluated 2025-07-02.

Conditions:
Encephalopathy, acute, infection-induced (herpes-specific), susceptibility to, 1. Also called: Herpes simplex encephalitis, susceptibility to, 1. Identifiers: Orphanet 1930, MedGen C2750180, MONDO:0024563, OMIM 610551.

gnomAD v4.1: 7 of 1,614,096 alleles (0.00043%); highest among the groups gnomAD compares: South Asian, 0.0066%; no homozygotes.

Submissions (2):

Ambry Genetics
Classification: Uncertain significance. Last evaluated: 2025-07-02. Review status: criteria provided, single submitter. Criteria: Ambry Variant Classification Scheme 2023. Collection method: clinical testing. Allele origin: germline.

Labcorp Genetics (formerly Invitae), Labcorp
Classification: Uncertain significance for Encephalopathy, acute, infection-induced (herpes-specific), susceptibility to, 1. Last evaluated: 2024-04-22. Review status: criteria provided, single submitter. Criteria: Invitae Variant Classification Sherloc (09022015). Collection method: clinical testing. Allele origin: germline.
Comment: This sequence change replaces serine, which is neutral and polar, with asparagine, which is neutral and polar, at codon 372 of the TLR3 protein (p.Ser372Asn). This variant is present in population databases (no rsID available, gnomAD 0.01%). This variant has not been reported in the literature in individuals affected with TLR3-related conditions. Algorithms developed to predict the effect of missense changes on protein structure and function output the following: SIFT: "Not Available"; PolyPhen-2: "Benign"; Align-GVGD: "Not Available". The asparagine amino acid residue is found in multiple mammalian species, which suggests that this missense change does not adversely affect protein function. In summary, the available evidence is currently insufficient to determine the role of this variant in disease. Therefore, it has been classified as a Variant of Uncertain Significance.